The following is an entry in ClinVar:

ClinVar aggregate classification (germline): Uncertain significance (1 of 4 stars; one submission).

Allele frequency attached by ClinVar (database versions not stated): gnomAD exomes below 0.00001.
gnomAD v4.1: 1 of 1,566,456 alleles (0.000064%); highest among the groups gnomAD compares: Non-Finnish European, 0.000088%; no homozygotes.

Submission:

Ambry Genetics
Classification: Uncertain significance. Last evaluated: 2022-05-12. Review status: criteria provided, single submitter. Criteria: Ambry Variant Classification Scheme 2023. Collection method: clinical testing. Allele origin: germline.
Comment: The p.H170Q variant (also known as c.510T>A), located in coding exon 3 of the IDH1 gene, results from a T to A substitution at nucleotide position 510. The histidine at codon 170 is replaced by glutamine, an amino acid with highly similar properties. This amino acid position is conserved. In addition, the in silico prediction for this alteration is inconclusive. Since supporting evidence is limited at this time, the clinical significance of this alteration remains unclear.

NM_005896.4(IDH1):c.510T>A (p.His170Gln)

Gene: IDH1 (isocitrate dehydrogenase (NADP(+)) 1; minus strand). Cytogenetic location: 2q34.
Variant type: single nucleotide variant.
Coding change: c.510T>A on transcript NM_005896.4 (MANE Select); coding-DNA position 510, T replaced by A.
Protein change: p.His170Gln; replaces histidine 170 with glutamine.
Molecular consequence: missense variant.
Genome position (GRCh38, 1-based): chr2:208,245,329, A>T on the plus strand (T>A on the coding strand, the complement: IDH1 is on the minus strand). VCF-style: chr2-208245329-A-T. GRCh37 (hg19) VCF-style: chr2-209110053-A-T.
Other names: c.510T>A, p.His170Gln (NM_001282386.1, NM_001282387.1); short protein forms H170Q.
Identifiers: ClinVar variation 1745404 (VCV001745404.2), dbSNP rs1687995534, ClinGen allele CA350100263.